The following is an entry in ClinVar:

ClinVar aggregate classification (germline): Likely benign (0 of 4 stars; one submission).

Conditions:
RNF135-related disorder. Also called: RNF135-related condition.

gnomAD v4.1: 110 of 1,524,562 alleles (0.0072%); highest among the groups gnomAD compares: Non-Finnish European, 0.009%; no homozygotes.

Submission:

PreventionGenetics, part of Exact Sciences
Classification: Likely benign for RNF135-related condition. Last evaluated: 2019-03-20. Review status: no assertion criteria provided. Collection method: clinical testing. Allele origin: germline.
Comment: This variant is classified as likely benign based on ACMG/AMP sequence variant interpretation guidelines (Richards et al. 2015 PMID: 25741868, with internal and published modifications).

NM_032322.4(RNF135):c.198C>T (p.Ala66=)

Gene: RNF135 (ring finger protein 135; plus strand). Cytogenetic location: 17q11.2.
Variant type: single nucleotide variant.
Coding change: c.198C>T on transcript NM_032322.4 (MANE Select); coding-DNA position 198, C replaced by T.
Protein change: p.Ala66=; no amino-acid change (alanine 66 retained).
Molecular consequence: synonymous variant.
Genome position (GRCh38, 1-based): chr17:30,971,271, C>T. VCF-style: chr17-30971271-C-T. GRCh37 (hg19) VCF-style: chr17-29298289-C-T.
Other names: c.198C>T, p.Ala66= (NM_001184992.2, NM_197939.2).
Identifiers: ClinVar variation 3046986 (VCV003046986.2), dbSNP rs926995158, ClinGen allele CA289698965.